The following is an entry in ClinVar:

NM_032383.5(HPS3):c.884+1G>A

Gene: HPS3 (HPS3 biogenesis of lysosomal organelles complex 2 subunit 1; plus strand). Cytogenetic location: 3q24.
Variant type: single nucleotide variant.
Coding change: c.884+1G>A on transcript NM_032383.5 (MANE Select); the canonical splice donor site of the intron after coding-DNA position 884, G replaced by A.
Molecular consequence: splice donor variant.
Genome position (GRCh38, 1-based): chr3:149,141,189, G>A. VCF-style: chr3-149141189-G-A. GRCh37 (hg19) VCF-style: chr3-148858976-G-A.
Other names: c.389+1G>A (NM_001308258.2).
Identifiers: ClinVar variation 3588679 (VCV003588679.2).

ClinVar aggregate classification (germline): Likely pathogenic. Review status: criteria provided, multiple submitters, no conflicts (2 of 4 stars). 2 submissions from 2 submitters: Likely pathogenic (2). Last evaluated 2025-08-28.

Conditions:
Hermansky-Pudlak syndrome 3 (HPS3). Identifiers: Orphanet 231512, Orphanet 79430, MedGen C3888001, MONDO:0013555, OMIM 614072.

Submissions (2):

Myriad Genetics, Inc.
Classification: Likely pathogenic for Hermansky-Pudlak syndrome 3. Last evaluated: 2025-08-28. Review status: criteria provided, single submitter. Criteria: Myriad Autosomal Dominant, Autosomal Recessive and X-Linked Classification Criteria (2023). Collection method: clinical testing. Allele origin: unknown.
Comment: NM_032383.3(HPS3):c.884+1G>A is a variant in a canonical splice site classified as likely pathogenic in the context of Hermansky-Pudlak syndrome, HPS3-related. c.884+1G>A has not been observed in cases with relevant disease. Relevant functional assessments of this variant are not available in the literature. c.884+1G>A has not been observed in referenced population frequency databases. In summary, NM_032383.3(HPS3):c.884+1G>A is a variant in a canonical splice site in a gene where loss of function is a known mechanism of disease and is predicted to disrupt protein function. Please note: this variant was assessed in the context of healthy population screening.

Fulgent Genetics
Classification: Likely pathogenic for Hermansky-Pudlak syndrome 3. Last evaluated: 2024-03-22. Review status: criteria provided, single submitter. Criteria: ACMG Guidelines, 2015. Collection method: clinical testing. Allele origin: germline.